The following is an entry in ClinVar:

ClinVar aggregate classification (germline): Uncertain significance (1 of 4 stars; one submission).

Conditions:
Glucose-6-phosphate transport defect (GSD1B). Also called: GSD Ib; Glycogen Storage Disease Type Ib. Identifiers: Orphanet 364, Orphanet 79259, MedGen C0268146, MONDO:0009288, OMIM 232220.

Allele frequency attached by ClinVar (database versions not stated): gnomAD exomes 0.00001.

Submission:

Labcorp Genetics (formerly Invitae), Labcorp
Classification: Uncertain significance for Glucose-6-phosphate transport defect. Last evaluated: 2026-01-20. Review status: criteria provided, single submitter. Criteria: Invitae Variant Classification Sherloc (09022015). Collection method: clinical testing. Allele origin: germline.
Comment: This sequence change replaces methionine, which is neutral and non-polar, with valine, which is neutral and non-polar, at codon 266 of the SLC37A4 protein (p.Met266Val). This variant is not present in population databases (gnomAD no frequency). This variant has not been reported in the literature in individuals affected with SLC37A4-related conditions. ClinVar contains an entry for this variant (Variation ID: 2181223). Invitae Evidence Modeling of protein sequence and biophysical properties (such as structural, functional, and spatial information, amino acid conservation, physicochemical variation, residue mobility, and thermodynamic stability) indicates that this missense variant is not expected to disrupt SLC37A4 protein function with a negative predictive value of 80%. In summary, the available evidence is currently insufficient to determine the role of this variant in disease. Therefore, it has been classified as a Variant of Uncertain Significance.

NM_001164277.2(SLC37A4):c.796A>G (p.Met266Val)

Gene: SLC37A4 (solute carrier family 37 member 4; minus strand). Cytogenetic location: 11q23.3.
Variant type: single nucleotide variant.
Coding change: c.796A>G on transcript NM_001164277.2 (MANE Select); coding-DNA position 796, A replaced by G.
Protein change: p.Met266Val; replaces methionine 266 with valine.
Molecular consequence: missense variant.
Genome position (GRCh38, 1-based): chr11:119,026,677, T>C on the plus strand (A>G on the coding strand, the complement: SLC37A4 is on the minus strand). VCF-style: chr11-119026677-T-C. GRCh37 (hg19) VCF-style: chr11-118897387-T-C.
Other names: c.796A>G, p.Met266Val (NM_001164278.2, NM_001164280.2, NM_001467.6); c.577A>G, p.Met193Val (NM_001164279.2); short protein forms M193V, M266V.
Identifiers: ClinVar variation 2181223 (VCV002181223.2), dbSNP rs1202636694, ClinGen allele CA382900558.